The following is an entry in ClinVar:

NM_138420.4(AHNAK2):c.11019T>C (p.Ser3673=)

Gene: AHNAK2 (AHNAK nucleoprotein 2; minus strand). Cytogenetic location: 14q32.33.
Variant type: single nucleotide variant.
Coding change: c.11019T>C on transcript NM_138420.4 (MANE Select); coding-DNA position 11019, T replaced by C.
Protein change: p.Ser3673=; no amino-acid change (serine 3673 retained).
Molecular consequence: synonymous variant.
Genome position (GRCh38, 1-based): chr14:104,944,432, A>G on the plus strand (T>C on the coding strand, the complement: AHNAK2 is on the minus strand). VCF-style: chr14-104944432-A-G. GRCh37 (hg19) VCF-style: chr14-105410769-A-G.
Other names: c.10719T>C, p.Ser3573= (NM_001350929.2).
Identifiers: ClinVar variation 2644654 (VCV002644654.24), dbSNP rs191005153, ClinGen allele CA7378873.

ClinVar aggregate classification (germline): Likely benign (1 of 4 stars; one submission).

Allele frequency attached by ClinVar (database versions not stated): gnomAD exomes 0.00022; ExAC 0.00078; ESP Exome Variant Server 0.00206; gnomAD 0.00231; TOPMed 0.00256; 1000 Genomes Project 0.00379; 1000 Genomes Project 30x 0.00593.
gnomAD v4.1: 683 of 1,608,628 alleles (0.042%); highest among the groups gnomAD compares: African/African-American, 0.77%; 7 homozygotes.

Submission:

CeGaT Center for Human Genetics Tuebingen
Classification: Likely benign. Last evaluated: 2023-04-01. Review status: criteria provided, single submitter. Criteria: CeGaT Center For Human Genetics Tuebingen Variant Classification Criteria Version 2. Collection method: clinical testing. Allele origin: germline. Affected: yes. Observed: 1 variant allele.
Comment: AHNAK2: BP4, BP7, BS2